The following is an entry in ClinVar:

NM_139137.4(KCNC2):c.686G>A (p.Arg229Lys)

Gene: KCNC2 (potassium voltage-gated channel subfamily C member 2; minus strand). Cytogenetic location: 12q21.1.
Variant type: single nucleotide variant.
Coding change: c.686G>A on transcript NM_139137.4 (MANE Select); coding-DNA position 686, G replaced by A.
Protein change: p.Arg229Lys; replaces arginine 229 with lysine.
Molecular consequence: missense variant. On other transcripts: non-coding transcript variant (2).
Genome position (GRCh38, 1-based): chr12:75,207,298, C>T on the plus strand (G>A on the coding strand, the complement: KCNC2 is on the minus strand). VCF-style: chr12-75207298-C-T. GRCh37 (hg19) VCF-style: chr12-75601078-C-T.
Other names: c.686G>A, p.Arg229Lys (NM_001260497.2, NM_001260498.2, NM_001260499.2 and 13 more transcripts); short protein forms R229K.
Identifiers: ClinVar variation 4882741 (VCV004882741.2).

ClinVar aggregate classification (germline): Uncertain significance (1 of 4 stars; one submission).

Conditions:
Developmental and epileptic encephalopathy 103 (DEE103). Identifiers: MedGen C5677002, MONDO:0030957, OMIM 619913.

Submission:

Dasa
Classification: Uncertain significance for Developmental and epileptic encephalopathy 103. Last evaluated: 2025-06-19. Review status: criteria provided, single submitter. Criteria: DASA Assertion Criteria. Collection method: clinical testing. Allele origin: germline.
Comment: NM_139137.4(KCNC2):c.686G>A (p.Arg229Lys) is a missense variant that results in the substitution of arginine with lysine. This variant is rare in population databases. The currently available literature and clinical evidence are not sufficient to establish a definitive association between this variant and the reported condition. Therefore, this variant is classified as a variant of uncertain significance.